The following is an entry in ClinVar:

ClinVar aggregate classification (germline): Uncertain significance (1 of 4 stars; one submission).

Conditions:
Marfan syndrome (MFS). Also called: MARFAN SYNDROME, TYPE I; Marfan syndrome type 1; Marfan's syndrome; Marfan syndrome, classic; FBN1-Related Marfan Syndrome. Identifiers: Orphanet 284963, Orphanet 558, MedGen C0024796, MONDO:0007947, OMIM 154700.

Submission:

All of Us Research Program, National Institutes of Health
Classification: Uncertain significance for Marfan syndrome. Last evaluated: 2023-04-03. Review status: criteria provided, single submitter. Criteria: ACMG Guidelines, 2015. Collection method: clinical testing. Allele origin: germline. Inheritance: Autosomal dominant inheritance. Observed: 1 variant allele, 1 heterozygote.
Comment: This missense variant replaces glutamic acid with aspartic acid at codon 8 of the FBN1 protein. Computational prediction suggests that this variant may not impact protein structure and function (internally defined REVEL score threshold <= 0.5, PMID: 27666373). To our knowledge, functional studies have not been reported for this variant. This variant has not been reported in individuals affected with FBN1-related disorders in the literature. This variant has not been identified in the general population by the Genome Aggregation Database (gnomAD). The available evidence is insufficient to determine the role of this variant in disease conclusively. Therefore, this variant is classified as a Variant of Uncertain Significance.

This study involves interpretation of variants in research participants for the purpose of population health screening. Participant phenotype was not available at the time of variant classification. Additional details can be found in publication PMID: 35346344, PMCID: PMC8962531

NM_000138.5(FBN1):c.24G>C (p.Glu8Asp)

Gene: FBN1 (fibrillin 1; minus strand). Cytogenetic location: 15q21.1.
Variant type: single nucleotide variant.
Coding change: c.24G>C on transcript NM_000138.5 (MANE Select); coding-DNA position 24, G replaced by C.
Protein change: p.Glu8Asp; replaces glutamic acid 8 with aspartic acid.
Molecular consequence: missense variant.
Genome position (GRCh38, 1-based): chr15:48,644,746, C>G on the plus strand (G>C on the coding strand, the complement: FBN1 is on the minus strand). VCF-style: chr15-48644746-C-G. GRCh37 (hg19) VCF-style: chr15-48936943-C-G.
Other names: c.24G>C, p.Glu8Asp (NM_001406716.1, NM_001406717.1, NM_001406718.1); short protein forms E8D.
Identifiers: ClinVar variation 3070231 (VCV003070231.1), dbSNP rs2505822356, ClinGen allele CA392453968.